The following is an entry in ClinVar:

NM_178822.5(IGSF10):c.3014C>T (p.Pro1005Leu)

Gene: IGSF10 (immunoglobulin superfamily member 10; minus strand). Cytogenetic location: 3q25.1.
Variant type: single nucleotide variant.
Coding change: c.3014C>T on transcript NM_178822.5 (MANE Select); coding-DNA position 3014, C replaced by T.
Protein change: p.Pro1005Leu; replaces proline 1005 with leucine.
Molecular consequence: missense variant.
Genome position (GRCh38, 1-based): chr3:151,446,967, G>A on the plus strand (C>T on the coding strand, the complement: IGSF10 is on the minus strand). VCF-style: chr3-151446967-G-A. GRCh37 (hg19) VCF-style: chr3-151164755-G-A.
Other names: c.3014C>T, p.Pro1005Leu (NM_001385060.1, NM_001385061.1, NM_001385062.1 and 1 more transcripts); short protein forms P1005L.
Identifiers: ClinVar variation 1984761 (VCV001984761.4), dbSNP rs567335058, ClinGen allele CA2670247.

ClinVar aggregate classification (germline): Uncertain significance (1 of 4 stars; one submission).

Allele frequency attached by ClinVar (database versions not stated): gnomAD 0.00001; TOPMed 0.00001; gnomAD exomes 0.00002; ExAC 0.00005; 1000 Genomes Project 30x 0.00016; 1000 Genomes Project 0.00020.
gnomAD v4.1: 29 of 1,614,162 alleles (0.0018%); highest among the groups gnomAD compares: East Asian, 0.0089%; no homozygotes.

Submission:

Labcorp Genetics (formerly Invitae), Labcorp
Classification: Uncertain significance. Last evaluated: 2024-12-09. Review status: criteria provided, single submitter. Criteria: Invitae Variant Classification Sherloc (09022015). Collection method: clinical testing. Allele origin: germline.
Comment: This sequence change replaces proline, which is neutral and non-polar, with leucine, which is neutral and non-polar, at codon 1005 of the IGSF10 protein (p.Pro1005Leu). This variant is present in population databases (rs567335058, gnomAD 0.01%). This variant has not been reported in the literature in individuals affected with IGSF10-related conditions. ClinVar contains an entry for this variant (Variation ID: 1984761). An algorithm developed to predict the effect of missense changes on protein structure and function outputs the following: PolyPhen-2: "Benign". The leucine amino acid residue is found in multiple mammalian species, which suggests that this missense change does not adversely affect protein function. In summary, the available evidence is currently insufficient to determine the role of this variant in disease. Therefore, it has been classified as a Variant of Uncertain Significance.